The following is an entry in ClinVar:

NM_001278512.2(AP3B2):c.2539G>C (p.Val847Leu)

Genes: AP3B2 (adaptor related protein complex 3 subunit beta 2; minus strand), CPEB1-AS1 (CPEB1 antisense RNA 1; plus strand), LOC113939947 (Sharpr-MPRA regulatory region 5793; plus strand). Cytogenetic location: 15q25.2.
Variant type: single nucleotide variant.
Coding change: c.2539G>C on transcript NM_001278512.2 (MANE Select); coding-DNA position 2539, G replaced by C.
Protein change: p.Val847Leu; replaces valine 847 with leucine.
Molecular consequence: missense variant.
Genome position (GRCh38, 1-based): chr15:82,663,192, C>G on the plus strand (G>C on the coding strand, the complement: AP3B2 is on the minus strand). VCF-style: chr15-82663192-C-G. GRCh37 (hg19) VCF-style: chr15-83331944-C-G.
Other names: c.2386G>C, p.Val796Leu (NM_001278511.2); c.2482G>C, p.Val828Leu (NM_004644.5); c.2482G>C (NM_004644.3); short protein forms V828L, V796L, V847L.
Identifiers: ClinVar variation 1406778 (VCV001406778.6), dbSNP rs777762220, ClinGen allele CA7699862.

ClinVar aggregate classification (germline): Uncertain significance. Review status: criteria provided, multiple submitters, no conflicts (2 of 4 stars). 2 submissions from 2 submitters: Uncertain significance (2). Last evaluated 2024-03-01.

Conditions:
Inborn genetic diseases. Identifiers: MedGen C0950123, MeSH D030342.

Allele frequency attached by ClinVar (database versions not stated): gnomAD 0.00001; gnomAD exomes 0.00004; ExAC 0.00005; 1000 Genomes Project 30x 0.00016.

Submissions (2):

Ambry Genetics
Classification: Uncertain significance for Inborn genetic diseases. Last evaluated: 2024-03-01. Review status: criteria provided, single submitter. Criteria: Ambry Variant Classification Scheme 2023. Collection method: clinical testing. Allele origin: germline.

Labcorp Genetics (formerly Invitae), Labcorp
Classification: Uncertain significance. Last evaluated: 2021-12-29. Review status: criteria provided, single submitter. Criteria: Invitae Variant Classification Sherloc (09022015). Collection method: clinical testing. Allele origin: germline.
Comment: This sequence change replaces valine, which is neutral and non-polar, with leucine, which is neutral and non-polar, at codon 828 of the AP3B2 protein (p.Val828Leu). This variant is present in population databases (rs777762220, gnomAD 0.05%). This variant has not been reported in the literature in individuals affected with AP3B2-related conditions. Algorithms developed to predict the effect of missense changes on protein structure and function (SIFT, PolyPhen-2, Align-GVGD) all suggest that this variant is likely to be tolerated. In summary, the available evidence is currently insufficient to determine the role of this variant in disease. Therefore, it has been classified as a Variant of Uncertain Significance.